The following is an entry in ClinVar:

ClinVar aggregate classification (germline): Pathogenic (1 of 4 stars; one submission).

Conditions:
Seizures, benign familial infantile, 3 (BFIS3). Also called: CONVULSIONS, BENIGN FAMILIAL INFANTILE, 3; Familial neonatal seizures. Identifiers: Orphanet 140927, Orphanet 306, MedGen C1843140, MONDO:0011904, OMIM 607745.
Developmental and epileptic encephalopathy, 11 (DEE11). Also called: Early infantile epileptic encephalopathy 11. Identifiers: Orphanet 1934, MedGen C3150987, MONDO:0013388, OMIM 613721.

Submission:

Labcorp Genetics (formerly Invitae), Labcorp
Classification: Pathogenic for Seizures, benign familial infantile, 3; Developmental and epileptic encephalopathy, 11. Last evaluated: 2023-06-02. Review status: criteria provided, single submitter. Criteria: Invitae Variant Classification Sherloc (09022015). Collection method: clinical testing. Allele origin: germline.
Comment: For these reasons, this variant has been classified as Pathogenic. Advanced modeling of protein sequence and biophysical properties (such as structural, functional, and spatial information, amino acid conservation, physicochemical variation, residue mobility, and thermodynamic stability) performed at Invitae indicates that this missense variant is expected to disrupt SCN2A protein function. This missense change has been observed in individual(s) with clinical features of developmental and epileptic encephalopathy (PMID: 29655203, 31175295; Invitae). In at least one individual the variant was observed to be de novo. This variant is not present in population databases (gnomAD no frequency). This sequence change replaces aspartic acid, which is acidic and polar, with glycine, which is neutral and non-polar, at codon 827 of the SCN2A protein (p.Asp827Gly).

Literature cited by the submitters: PubMed 29655203; PubMed 31175295.

NM_001040142.2(SCN2A):c.2480A>G (p.Asp827Gly)

Gene: SCN2A (sodium voltage-gated channel alpha subunit 2; plus strand). Cytogenetic location: 2q24.3.
Variant type: single nucleotide variant.
Coding change: c.2480A>G on transcript NM_001040142.2 (MANE Select); coding-DNA position 2480, A replaced by G.
Protein change: p.Asp827Gly; replaces aspartic acid 827 with glycine.
Molecular consequence: missense variant.
Genome position (GRCh38, 1-based): chr2:165,342,387, A>G. VCF-style: chr2-165342387-A-G. GRCh37 (hg19) VCF-style: chr2-166198897-A-G.
Other names: c.2480A>G, p.Asp827Gly (NM_001040143.2, NM_001371246.1, NM_001371247.1 and 1 more transcripts); short protein forms D827G.
Identifiers: ClinVar variation 2928082 (VCV002928082.3), dbSNP rs796053112, ClinGen allele CA317870.